The following is an entry in ClinVar:

ClinVar aggregate classification (germline): Uncertain significance (1 of 4 stars; one submission).

Allele frequency attached by ClinVar (database versions not stated): 1000 Genomes Project 30x 0.00031.

Submission:

Labcorp Genetics (formerly Invitae), Labcorp
Classification: Uncertain significance. Last evaluated: 2020-11-04. Review status: criteria provided, single submitter. Criteria: Invitae Variant Classification Sherloc (09022015). Collection method: clinical testing. Allele origin: germline.
Comment: In summary, the available evidence is currently insufficient to determine the role of this variant in disease. Therefore, it has been classified as a Variant of Uncertain Significance. Advanced modeling of protein sequence and biophysical properties (such as structural, functional, and spatial information, amino acid conservation, physicochemical variation, residue mobility, and thermodynamic stability) performed at Invitae indicates that this missense variant is not expected to disrupt DUOX2 protein function. This variant has not been reported in the literature in individuals with DUOX2-related conditions. This variant is not present in population databases (ExAC no frequency). This sequence change replaces alanine with threonine at codon 758 of the DUOX2 protein (p.Ala758Thr). The alanine residue is highly conserved and there is a small physicochemical difference between alanine and threonine.

NM_001363711.2(DUOX2):c.2272G>A (p.Ala758Thr)

Gene: DUOX2 (dual oxidase 2; minus strand). Cytogenetic location: 15q21.1.
Variant type: single nucleotide variant.
Coding change: c.2272G>A on transcript NM_001363711.2 (MANE Select); coding-DNA position 2272, G replaced by A.
Protein change: p.Ala758Thr; replaces alanine 758 with threonine.
Molecular consequence: missense variant.
Genome position (GRCh38, 1-based): chr15:45,105,705, C>T on the plus strand (G>A on the coding strand, the complement: DUOX2 is on the minus strand). VCF-style: chr15-45105705-C-T. GRCh37 (hg19) VCF-style: chr15-45397903-C-T.
Other names: c.2272G>A, p.Ala758Thr (NM_014080.5); short protein forms A758T.
Identifiers: ClinVar variation 1511194 (VCV001511194.8), dbSNP rs561807575, ClinGen allele CA270129152.
Genomic context (GRCh38, chr15:45,105,705, plus strand): 5'-GAGCAAAAAGGTGTCTGAAGAAGATCTCCAGGATGCGTTCCCGCTGCTGCTTTGTCACAG[C>T]CTTCCTAAATAGCTCCTTCTCGCTCATCTCAGCCACATGGAGGCCCAGAGCCCAGCGCAC-3'
Protein context (NP_001350640.1, residues 748-768): EMSEKELFRK[Ala758Thr]VTKQQRERIL